The following is an entry in ClinVar:

ClinVar aggregate classification (germline): Uncertain significance (1 of 4 stars; one submission).

Conditions:
Severe combined immunodeficiency, autosomal recessive, T cell-negative, B cell-negative, NK cell-positive. Also called: SCID, T CELL-NEGATIVE, B CELL-NEGATIVE, NK CELL-POSITIVE; SCID, AR, T-cell negative, B-cell negative, NK cell-positive; Severe combined immunodeficiency due to complete RAG1/2 deficiency. Identifiers: Orphanet 331206, MedGen C1832322, MONDO:0011086, OMIM 601457.
Combined immunodeficiency with skin granulomas. Identifiers: Orphanet 157949, MedGen C2673536, MONDO:0009306, OMIM 233650.

Submission:

Labcorp Genetics (formerly Invitae), Labcorp
Classification: Uncertain significance for Combined immunodeficiency with skin granulomas; Severe combined immunodeficiency, autosomal recessive, T cell-negative, B cell-negative, NK cell-positive. Last evaluated: 2022-07-22. Review status: criteria provided, single submitter. Criteria: Invitae Variant Classification Sherloc (09022015). Collection method: clinical testing. Allele origin: germline.
Comment: In summary, the available evidence is currently insufficient to determine the role of this variant in disease. Therefore, it has been classified as a Variant of Uncertain Significance. Advanced modeling of protein sequence and biophysical properties (such as structural, functional, and spatial information, amino acid conservation, physicochemical variation, residue mobility, and thermodynamic stability) performed at Invitae indicates that this missense variant is not expected to disrupt RAG1 protein function. This variant has not been reported in the literature in individuals affected with RAG1-related conditions. This variant is not present in population databases (gnomAD no frequency). This sequence change replaces alanine, which is neutral and non-polar, with threonine, which is neutral and polar, at codon 156 of the RAG1 protein (p.Ala156Thr).

NM_000448.3(RAG1):c.466G>A (p.Ala156Thr)

Gene: RAG1 (recombination activating 1; plus strand). Cytogenetic location: 11p12.
Variant type: single nucleotide variant.
Coding change: c.466G>A on transcript NM_000448.3 (MANE Select); coding-DNA position 466, G replaced by A.
Protein change: p.Ala156Thr; replaces alanine 156 with threonine.
Molecular consequence: missense variant.
Genome position (GRCh38, 1-based): chr11:36,573,770, G>A. VCF-style: chr11-36573770-G-A. GRCh37 (hg19) VCF-style: chr11-36595320-G-A.
Other names: c.466G>A, p.Ala156Thr (NM_001377277.1, NM_001377278.1, NM_001377279.1 and 1 more transcripts); short protein forms A156T.
Identifiers: ClinVar variation 2182252 (VCV002182252.4), dbSNP rs2494751793, ClinGen allele CA380146610.
Genomic context (GRCh38, chr11:36,573,770, plus strand): 5'-AAAACCCTAGGCCTTTTACGAAAGAAGGAAAAGAGAGCTACTTCCTGGCCGGACCTCATT[G>A]CCAAGGTTTTCCGGATCGATGTGAAGGCAGATGTTGACTCGATCCACCCCACTGAGTTCT-3'
Protein context (NP_000439.2, residues 146-166): KRATSWPDLI[Ala156Thr]KVFRIDVKAD